The following is an entry in ClinVar:

NM_033380.3(COL4A5):c.2576del (p.Pro859fs)

Gene: COL4A5 (collagen type IV alpha 5 chain; plus strand). Cytogenetic location: Xq22.3.
Variant type: Deletion.
Coding change: c.2576del on transcript NM_033380.3 (MANE Select); coding-DNA position 2576, one base deleted (C; older notation c.2576delC).
Protein change: p.Pro859fs; shifts the reading frame from proline 859.
Molecular consequence: frameshift variant.
Genome position (GRCh38, 1-based): chrX:108,620,325, C deleted; the last of 5 consecutive C bases (chrX:108,620,321-108,620,325); deleting any one gives the same sequence. VCF-style (leftmost placement, unchanged base first): chrX-108620320-AC-A. GRCh37 (hg19) VCF-style: chrX-107863550-AC-A.
Other names: c.2576del, p.Pro859fs (NM_000495.5); short protein forms P859fs.
Identifiers: ClinVar variation 1724913 (VCV001724913.2), dbSNP rs2524395776, ClinGen allele CA2579676515.

ClinVar aggregate classification (germline): Likely pathogenic (1 of 4 stars; one submission).

Conditions:
X-linked Alport syndrome (ATS1). Also called: COL4A5-Related Nephropathy; NEPHROPATHY AND DEAFNESS, X-LINKED. Identifiers: Orphanet 63, Orphanet 88917, MedGen C4746986, MONDO:0010520, OMIM 301050.

Submission:

Myriad Genetics, Inc.
Classification: Likely pathogenic for X-linked Alport syndrome. Last evaluated: 2022-03-02. Review status: criteria provided, single submitter. Criteria: Myriad Women's Health Autosomal Recessive and X-Linked Classification Criteria (2021). Collection method: clinical testing. Allele origin: unknown.
Comment: NM_000495.4(COL4A5):c.2576delC(P859Qfs*16) is expected to be pathogenic in the context of X-linked Alport syndrome. This variant is predicted to lead to an abnormal or absent protein product due to the creation of a premature termination codon in COL4A5, a gene where loss-of-function variants are known to be pathogenic. Please note: this variant was assessed in the context of healthy population screening.